The following is an entry in ClinVar:

ClinVar aggregate classification (germline): Likely benign. Review status: criteria provided, multiple submitters, no conflicts (2 of 4 stars). 2 submissions from 2 submitters: Likely benign (2). Last evaluated 2022-10-19.

Conditions:
Charcot-Marie-Tooth disease dominant intermediate B (CMTDIB). Also called: Charcot-Marie-Tooth disease dominant intermediate 1; CMT DI1; Charcot-Marie-Tooth disease dominant intermediate I; CHARCOT-MARIE-TOOTH NEUROPATHY, DOMINANT INTERMEDIATE B. Identifiers: Orphanet 100044, Orphanet 228179, MedGen C1847902, MONDO:0011674, OMIM 606482.

Allele frequency attached by ClinVar (database versions not stated): gnomAD exomes below 0.00001 and 0.00001; TOPMed below 0.00001; ExAC 0.00001; gnomAD 0.00001.
gnomAD v4.1: 12 of 1,613,942 alleles (0.00074%); highest among the groups gnomAD compares: East Asian, 0.0067%; no homozygotes.

Submissions (2):

Labcorp Genetics (formerly Invitae), Labcorp
Classification: Likely benign for Charcot-Marie-Tooth disease dominant intermediate B. Last evaluated: 2022-10-19. Review status: criteria provided, single submitter. Criteria: Invitae Variant Classification Sherloc (09022015). Collection method: clinical testing. Allele origin: germline.

GeneDx
Classification: Likely benign. Last evaluated: 2017-07-11. Review status: criteria provided, single submitter. Criteria: GeneDx Variant Classification (06012015). Collection method: clinical testing. Allele origin: germline. Affected: yes.
Comment: This variant is considered likely benign or benign based on one or more of the following criteria: it is a conservative change, it occurs at a poorly conserved position in the protein, it is predicted to be benign by multiple in silico algorithms, and/or has population frequency not consistent with disease.

NM_001005361.3(DNM2):c.1128+13G>A

Gene: DNM2 (dynamin 2; plus strand). Cytogenetic location: 19p13.2.
Variant type: single nucleotide variant.
Coding change: c.1128+13G>A on transcript NM_001005361.3 (MANE Select); 13 bases into the intron after coding-DNA position 1128, G replaced by A.
Molecular consequence: intron variant.
Genome position (GRCh38, 1-based): chr19:10,793,868, G>A. VCF-style: chr19-10793868-G-A. GRCh37 (hg19) VCF-style: chr19-10904544-G-A.
Other names: c.1128+13G>A (NM_001005360.3, NM_001190716.2, NM_004945.4 and 1 more transcripts).
Identifiers: ClinVar variation 518095 (VCV000518095.5), dbSNP rs772437963, ClinGen allele CA9200985.